The following is an entry in ClinVar:

ClinVar aggregate classification (germline): Pathogenic. Review status: criteria provided, multiple submitters, no conflicts (2 of 4 stars). 2 submissions from 2 submitters: Pathogenic (2). Last evaluated 2026-02-06.

Conditions:
Neurofibromatosis, type 1 (NF1). Also called: Peripheral type neurofibromatosis; Neurofibromatosis, type I; VON RECKLINGHAUSEN DISEASE; NEUROFIBROMATOSIS, TYPE I, SOMATIC. Identifiers: Orphanet 636, MedGen C0027831, MONDO:0018975, OMIM 162200. Disease mechanism: loss of function.

Submissions (2):

GeneDx
Classification: Pathogenic. Last evaluated: 2026-02-06. Review status: criteria provided, single submitter. Criteria: GeneDx Variant Classification Process June 2021. Collection method: clinical testing. Allele origin: germline.
Comment: Frameshift variant predicted to result in protein truncation or nonsense mediated decay in a gene for which loss of function is a known mechanism of disease; Not observed at significant frequency in large population cohorts (gnomAD); Also known as 6790insTT; This variant is associated with the following publications: (PMID: 9101303)

Labcorp Genetics (formerly Invitae), Labcorp
Classification: Pathogenic for Neurofibromatosis, type 1. Last evaluated: 2022-04-15. Review status: criteria provided, single submitter. Criteria: Invitae Variant Classification Sherloc (09022015). Collection method: clinical testing. Allele origin: germline.
Comment: This sequence change creates a premature translational stop signal (p.Tyr2264Phefs*7) in the NF1 gene. It is expected to result in an absent or disrupted protein product. Loss-of-function variants in NF1 are known to be pathogenic (PMID: 10712197, 23913538). For these reasons, this variant has been classified as Pathogenic. This variant is also known as 6790insTT. This premature translational stop signal has been observed in individual(s) with neurofibromatosis type 1 (PMID: 9101303). It has also been observed to segregate with disease in related individuals. This variant is not present in population databases (gnomAD no frequency).

Literature cited by the submitters: PubMed 10712197 (cited by Labcorp Genetics (formerly Invitae), Labcorp); PubMed 23913538 (cited by Labcorp Genetics (formerly Invitae), Labcorp); PubMed 9101303 (cited by Labcorp Genetics (formerly Invitae), Labcorp).

NM_001042492.3(NF1):c.6852_6853dup (p.Tyr2285fs)

Gene: NF1 (neurofibromin 1; plus strand). Cytogenetic location: 17q11.2.
Variant type: Duplication.
Coding change: c.6852_6853dup on transcript NM_001042492.3 (MANE Select); coding-DNA positions 6852 to 6853, 2 bases duplicated (TT; older notation c.6852_6853dupTT).
Protein change: p.Tyr2285fs; shifts the reading frame from tyrosine 2285.
Molecular consequence: frameshift variant.
Genome position (GRCh38, 1-based): chr17:31,338,736-31,338,737, TT duplicated. VCF-style (leftmost placement, unchanged base first): chr17-31338735-C-CTT. GRCh37 (hg19) VCF-style: chr17-29665753-C-CTT.
Other names: c.6789_6790dup, p.Tyr2264Phefs (NM_000267.4); short protein forms Y2264fs, Y2285fs.
Identifiers: ClinVar variation 1365791 (VCV001365791.7), dbSNP rs2151559183, ClinGen allele CA2573153877.